The following is an entry in ClinVar:

ClinVar aggregate classification (germline): Uncertain significance (1 of 4 stars; one submission).

Submission:

GeneDx
Classification: Uncertain significance. Last evaluated: 2025-03-20. Review status: criteria provided, single submitter. Criteria: GeneDx Variant Classification Process June 2021. Collection method: clinical testing. Allele origin: germline. Affected: yes.
Comment: Not observed at significant frequency in large population cohorts (gnomAD); In silico analysis indicates that this missense variant does not alter protein structure/function; Has not been previously published as pathogenic or benign to our knowledge

NM_001386298.1(CIC):c.7334C>T (p.Pro2445Leu)

Gene: CIC (capicua transcriptional repressor; plus strand). Cytogenetic location: 19q13.2.
Variant type: single nucleotide variant.
Coding change: c.7334C>T on transcript NM_001386298.1 (MANE Select); coding-DNA position 7334, C replaced by T.
Protein change: p.Pro2445Leu; replaces proline 2445 with leucine.
Molecular consequence: missense variant.
Genome position (GRCh38, 1-based): chr19:42,294,971, C>T. VCF-style: chr19-42294971-C-T. GRCh37 (hg19) VCF-style: chr19-42799123-C-T.
Other names: c.7334C>T, p.Pro2445Leu (NM_001304815.2); c.7331C>T, p.Pro2444Leu (NM_001379480.1, NM_001379482.1, NM_001439183.1); c.4601C>T, p.Pro1534Leu (NM_001379484.1, NM_001439191.1); c.4598C>T, p.Pro1533Leu (NM_001379485.1); c.7328C>T, p.Pro2443Leu (NM_001439184.1, NM_001439185.1, NM_001439186.1); c.7325C>T, p.Pro2442Leu (NM_001439187.1); c.7322C>T, p.Pro2441Leu (NM_001439188.1); c.4604C>T, p.Pro1535Leu (NM_001439189.1, NM_001439190.1); and 1 more; short protein forms P1533L, P1534L, P1535L, P1536L, P2441L, P2442L, P2443L, P2444L.
Identifiers: ClinVar variation 4086385 (VCV004086385.1).